The following is an entry in ClinVar:

NM_182961.4(SYNE1):c.23366A>G (p.Asn7789Ser)

Gene: SYNE1 (spectrin repeat containing nuclear envelope protein 1; minus strand). Cytogenetic location: 6q25.2.
Variant type: single nucleotide variant.
Coding change: c.23366A>G on transcript NM_182961.4 (MANE Select); coding-DNA position 23366, A replaced by G.
Protein change: p.Asn7789Ser; replaces asparagine 7789 with serine.
Molecular consequence: missense variant. On other transcripts: 5 prime UTR variant (1).
Genome position (GRCh38, 1-based): chr6:152,180,230, T>C on the plus strand (A>G on the coding strand, the complement: SYNE1 is on the minus strand). VCF-style: chr6-152180230-T-C. GRCh37 (hg19) VCF-style: chr6-152501365-T-C.
Other names: c.-29A>G (NM_001347701.2); c.23153A>G, p.Asn7718Ser (NM_033071.5); short protein forms N7789S, N7718S.
Identifiers: ClinVar variation 4782368 (VCV004782368.1).
Genomic context (GRCh38, chr6:152,180,230, plus strand): 5'-ATGTCTCCATTCTGAGAAACTTTGCTTTCCATTTGAGTCAACCACTCACAGAGTTCCTTG[T>C]TCTTTTCACTGAAGACTGCCCATTCATTCAATCTTTCACCTATTTGCTGCCGCCTTAAGG-3'
Protein context (NP_892006.3, residues 7779-7799): LNEWAVFSEK[Asn7789Ser]KELCEWLTQM

ClinVar aggregate classification (germline): Uncertain significance (1 of 4 stars; one submission).

Conditions:
Autosomal recessive ataxia, Beauce type. Also called: SYNE1-Related Autosomal Recessive Cerebellar Ataxia; Spinocerebellar ataxia, autosomal recessive 8; ATAXIA, RECESSIVE, OF BEAUCE; SYNE1 Deficiency. Identifiers: Orphanet 88644, MedGen C1853116, MONDO:0012549, OMIM 610743.
Emery-Dreifuss muscular dystrophy 4, autosomal dominant (EDMD4). Also called: EMERY-DREIFUSS MUSCULAR DYSTROPHY 4 WITH VARIABLE FEATURES. Identifiers: Orphanet 261, MedGen C2751807, MONDO:0013071, OMIM 612998.

Submission:

Labcorp Genetics (formerly Invitae), Labcorp
Classification: Uncertain significance for Emery-Dreifuss muscular dystrophy 4, autosomal dominant; Autosomal recessive ataxia, Beauce type. Last evaluated: 2025-11-04. Review status: criteria provided, single submitter. Criteria: Invitae Variant Classification Sherloc (09022015). Collection method: clinical testing. Allele origin: germline.
Comment: This sequence change replaces asparagine, which is neutral and polar, with serine, which is neutral and polar, at codon 7718 of the SYNE1 protein (p.Asn7718Ser). This variant is not present in population databases (gnomAD no frequency). This variant has not been reported in the literature in individuals affected with SYNE1-related conditions. An algorithm developed to predict the effect of missense changes on protein structure and function (PolyPhen-2) suggests that this variant is likely to be disruptive. In summary, the available evidence is currently insufficient to determine the role of this variant in disease. Therefore, it has been classified as a Variant of Uncertain Significance.